The following is an entry in ClinVar:

NM_003242.6(TGFBR2):c.1013C>T (p.Thr338Met)

Gene: TGFBR2 (transforming growth factor beta receptor 2; plus strand). Cytogenetic location: 3p24.1.
Variant type: single nucleotide variant.
Coding change: c.1013C>T on transcript NM_003242.6 (MANE Select); coding-DNA position 1013, C replaced by T.
Protein change: p.Thr338Met; replaces threonine 338 with methionine.
Molecular consequence: missense variant.
Genome position (GRCh38, 1-based): chr3:30,672,196, C>T. VCF-style: chr3-30672196-C-T. GRCh37 (hg19) VCF-style: chr3-30713688-C-T.
Other names: c.1088C>T, p.Thr363Met (NM_001024847.3); c.1196C>T, p.Thr399Met (NM_001407126.1); c.1121C>T, p.Thr374Met (NM_001407127.1); c.1040C>T, p.Thr347Met (NM_001407128.1); c.1016C>T, p.Thr339Met (NM_001407129.1); c.1013C>T, p.Thr338Met (NM_001407130.1); c.908C>T, p.Thr303Met (NM_001407132.1, NM_001407133.1, NM_001407134.1 and 2 more transcripts); c.728C>T, p.Thr243Met (NM_001407137.1); and 1 more; short protein forms T338M, T363M, T399M, T347M, T374M, T218M, T243M, T303M.
Identifiers: ClinVar variation 986190 (VCV000986190.48), dbSNP rs752866783, ClinGen allele CA71528567.

ClinVar aggregate classification (germline): Conflicting classifications of pathogenicity. Review status: criteria provided, conflicting classifications (1 of 4 stars). 6 submissions from 6 submitters: Uncertain significance (5); Likely benign (1). Last evaluated 2024-09-23.

Conditions:
Familial thoracic aortic aneurysm and aortic dissection (TAAD). Also called: Thoracic aortic aneurysms and dissections. Identifiers: Orphanet 91387, MedGen C4707243, MONDO:0019625.
Loeys-Dietz syndrome 2 (LDS2). Also called: AORTIC ANEURYSM, FAMILIAL THORACIC 3; MARFAN SYNDROME, TYPE II; Marfan syndrome, type 2 (formerly); Marfan Syndrome type 2; Marfan like connective tissue disorder; MFS 2. Identifiers: Orphanet 284973, Orphanet 558, MedGen C2674574, MONDO:0012427, OMIM 610168.

Allele frequency attached by ClinVar (database versions not stated): TOPMed 0.00006; gnomAD 0.00007.
gnomAD v4.1: 22 of 1,612,138 alleles (0.0014%); highest among the groups gnomAD compares: African/African-American, 0.013%; no homozygotes.

Submissions (6):

Color Diagnostics, LLC DBA Color Health
Classification: Uncertain significance for Familial thoracic aortic aneurysm and aortic dissection. Last evaluated: 2024-09-23. Review status: criteria provided, single submitter. Criteria: ACMG Guidelines, 2015. Collection method: clinical testing. Allele origin: germline.
Comment: This missense variant replaces threonine with methionine at codon 338 of the TGFBR2 protein. Computational prediction suggests that this variant may not impact protein structure and function. To our knowledge, functional studies have not been reported for this variant. This variant has been reported in an individual affected with Loeys-Dietz syndrome (PMID: 37090272) and in an individual affected with thoracic aortic aneurysm and dissection (PMID: 27879313). This variant has been identified in 1/31396 chromosomes in the general population by the Genome Aggregation Database (gnomAD). The available evidence is insufficient to determine the role of this variant in disease conclusively. Therefore, this variant is classified as a Variant of Uncertain Significance.

Labcorp Genetics (formerly Invitae), Labcorp
Classification: Uncertain significance for Familial thoracic aortic aneurysm and aortic dissection. Last evaluated: 2024-09-23. Review status: criteria provided, single submitter. Criteria: Invitae Variant Classification Sherloc (09022015). Collection method: clinical testing. Allele origin: germline.
Comment: This sequence change replaces threonine, which is neutral and polar, with methionine, which is neutral and non-polar, at codon 338 of the TGFBR2 protein (p.Thr338Met). This variant is present in population databases (no rsID available, gnomAD 0.01%). This missense change has been observed in individual(s) with clinical features of TGFBR2-related disease (PMID: 27879313). ClinVar contains an entry for this variant (Variation ID: 986190). Invitae Evidence Modeling of protein sequence and biophysical properties (such as structural, functional, and spatial information, amino acid conservation, physicochemical variation, residue mobility, and thermodynamic stability) indicates that this missense variant is not expected to disrupt TGFBR2 protein function with a negative predictive value of 95%. In summary, the available evidence is currently insufficient to determine the role of this variant in disease. Therefore, it has been classified as a Variant of Uncertain Significance.

All of Us Research Program, National Institutes of Health
Classification: Uncertain significance for Loeys-Dietz syndrome 2. Last evaluated: 2023-11-30. Review status: criteria provided, single submitter. Criteria: ACMG Guidelines, 2015. Collection method: clinical testing. Allele origin: germline. Inheritance: Autosomal dominant inheritance. Observed: 3 variant alleles, 3 heterozygotes.
Comment: This missense variant replaces threonine with methionine at codon 338 of the TGFBR2 protein. Computational prediction suggests that this variant may not impact protein structure and function (internally defined REVEL score threshold <= 0.5, PMID: 27666373). To our knowledge, functional studies have not been reported for this variant. This variant has not been reported in individuals affected with cardiovascular disorders in the literature. This variant has been identified in 1/31396 chromosomes in the general population by the Genome Aggregation Database (gnomAD). The available evidence is insufficient to determine the role of this variant in disease conclusively. Therefore, this variant is classified as a Variant of Uncertain Significance.

This study involves interpretation of variants in research participants for the purpose of population health screening. Participant phenotype was not available at the time of variant classification. Additional details can be found in publication PMID: 35346344, PMCID: PMC8962531

Ambry Genetics
Classification: Likely benign for Familial thoracic aortic aneurysm and aortic dissection. Last evaluated: 2023-10-31. Review status: criteria provided, single submitter. Criteria: Ambry Variant Classification Scheme 2023. Collection method: clinical testing. Allele origin: germline.

Blueprint Genetics
Classification: Uncertain significance. Last evaluated: 2022-10-05. Review status: criteria provided, single submitter. Criteria: ACMG Guidelines, 2015. Collection method: clinical testing. Allele origin: germline.

CeGaT Center for Human Genetics Tuebingen
Classification: Uncertain significance. Last evaluated: 2021-04-01. Review status: criteria provided, single submitter. Criteria: CeGaT Center For Human Genetics Tuebingen Variant Classification Criteria Version 2. Collection method: clinical testing. Allele origin: germline. Affected: yes. Observed: 1 variant allele.

Literature cited by the submitters: PubMed 27879313 (cited by 3 submitters); PubMed 37090272 (cited by Color Diagnostics, LLC DBA Color Health and Ambry Genetics).